The following is an entry in ClinVar:

ClinVar aggregate classification (germline): Likely benign (1 of 4 stars; one submission).

Conditions:
Tay-Sachs disease, variant AB. Also called: Gm2-gangliosidosis, ab variant; GM2 Activator Deficiency. Identifiers: Orphanet 309246, MedGen C0268275, MONDO:0010099, OMIM 272750.

Allele frequency attached by ClinVar (database versions not stated): gnomAD 0.00012 and 0.00013; TOPMed 0.00014; 1000 Genomes Project 0.00040; 1000 Genomes Project 30x 0.00047.
gnomAD v4.1: 105 of 995,610 alleles (0.011%); highest among the groups gnomAD compares: Middle Eastern, 0.16%; no homozygotes.

Submission:

Illumina Laboratory Services, Illumina
Classification: Likely benign for Tay-Sachs disease, variant AB. Last evaluated: 2018-01-12. Review status: criteria provided, single submitter. Criteria: ICSL Variant Classification Criteria 13 December 2019. Collection method: clinical testing. Allele origin: germline.
Comment: This variant was observed in the ICSL laboratory as part of a predisposition screen in an ostensibly healthy population. It had not been previously curated by ICSL or reported in the Human Gene Mutation Database (HGMD: prior to June 1st, 2018), and was therefore a candidate for classification through an automated scoring system. Utilizing variant allele frequency, disease prevalence and penetrance estimates, and inheritance mode, an automated score was calculated to assess if this variant is too frequent to cause the disease. Based on the score and internal cut-off values, a variant classified as likely benign is not then subjected to further curation. The score for this variant resulted in a classification of likely benign for this disease.

NM_000405.5(GM2A):c.*629C>T

Gene: GM2A (ganglioside GM2 activator; plus strand). Cytogenetic location: 5q33.1.
Variant type: single nucleotide variant.
Coding change: c.*629C>T on transcript NM_000405.5 (MANE Select); 629 bases downstream of the stop codon, C replaced by T.
Molecular consequence: 3 prime UTR variant.
Genome position (GRCh38, 1-based): chr5:151,268,080, C>T. VCF-style: chr5-151268080-C-T. GRCh37 (hg19) VCF-style: chr5-150647641-C-T.
Other names: c.*440C>T (NM_001167607.3).
Identifiers: ClinVar variation 906600 (VCV000906600.4), dbSNP rs184763035, ClinGen allele CA129900448.
Genomic context (GRCh38, chr5:151,268,080, plus strand): 5'-GGGGAGGAATCCCTTGGGGGAGATATTAGGAGTGCTCTGTTGTTTACAAACTCAGGTACC[C>T]GCAGGGCCTAGCAAGAGACTTAAATGACTGATAAGAACCGTGAGAAACATGTTGCTTCCA-3'